The following is an entry in ClinVar:

NM_017780.4(CHD7):c.973A>C (p.Asn325His)

Gene: CHD7 (chromodomain helicase DNA binding protein 7; plus strand). Cytogenetic location: 8q12.2.
Variant type: single nucleotide variant.
Coding change: c.973A>C on transcript NM_017780.4 (MANE Select); coding-DNA position 973, A replaced by C.
Protein change: p.Asn325His; replaces asparagine 325 with histidine.
Molecular consequence: missense variant.
Genome position (GRCh38, 1-based): chr8:60,742,405, A>C. VCF-style: chr8-60742405-A-C. GRCh37 (hg19) VCF-style: chr8-61654964-A-C.
Other names: c.973A>C, p.Asn325His (NM_001316690.1); short protein forms N325H.
Identifiers: ClinVar variation 633173 (VCV000633173.4), dbSNP rs1563561089, ClinGen allele CA371300330.

ClinVar aggregate classification (germline): Uncertain significance. Review status: criteria provided, multiple submitters, no conflicts (2 of 4 stars). 2 submissions from 2 submitters: Uncertain significance (2). Last evaluated 2023-09-30.

Conditions:
CHARGE syndrome (CHARGE). Also called: Coloboma, heart anomaly, choanal atresia, retardation, genital and ear anomalies; CHARGE association; Hall-Hittner syndrome; Hittner Hirsch Kreh syndrome; CHARGE ASSOCIATION--COLOBOMA, HEART ANOMALY, CHOANAL ATRESIA, RETARDATION, GENITAL AND EAR ANOMALIES. Identifiers: Orphanet 138, MedGen C0265354, MONDO:0008965.

Allele frequency attached by ClinVar (database versions not stated): gnomAD exomes below 0.00001.

Submissions (2):

Labcorp Genetics (formerly Invitae), Labcorp
Classification: Uncertain significance for CHARGE syndrome. Last evaluated: 2023-09-30. Review status: criteria provided, single submitter. Criteria: Invitae Variant Classification Sherloc (09022015). Collection method: clinical testing. Allele origin: germline.
Comment: In summary, the available evidence is currently insufficient to determine the role of this variant in disease. Therefore, it has been classified as a Variant of Uncertain Significance. Advanced modeling of protein sequence and biophysical properties (such as structural, functional, and spatial information, amino acid conservation, physicochemical variation, residue mobility, and thermodynamic stability) performed at Invitae indicates that this missense variant is not expected to disrupt CHD7 protein function. ClinVar contains an entry for this variant (Variation ID: 633173). This variant has not been reported in the literature in individuals affected with CHD7-related conditions. This variant is not present in population databases (gnomAD no frequency). This sequence change replaces asparagine, which is neutral and polar, with histidine, which is basic and polar, at codon 325 of the CHD7 protein (p.Asn325His).

Women's Health and Genetics/Laboratory Corporation of America, LabCorp
Classification: Uncertain significance. Last evaluated: 2018-09-18. Review status: criteria provided, single submitter. Criteria: LabCorp Variant Classification Summary - May 2015. Collection method: clinical testing. Allele origin: germline.
Comment: Variant summary: CHD7 c.973A>C (p.Asn325His) results in a conservative amino acid change in the encoded protein sequence. Four of five in-silico tools predict a benign effect of the variant on protein function. The variant was absent in 246232 control chromosomes (gnomAD). The available data on variant occurrences in the general population are insufficient to allow any conclusion about variant significance. To our knowledge, no occurrence of c.973A>C in individuals affected with Congenital Heart Disease and no experimental evidence demonstrating its impact on protein function have been reported. No clinical diagnostic laboratories have submitted clinical-significance assessments for this variant to ClinVar after 2014. Based on the evidence outlined above, the variant was classified as uncertain significance.